The following is an entry in ClinVar:

ClinVar aggregate classification (germline): Uncertain significance (1 of 4 stars; one submission).

Conditions:
Progressive familial heart block type IB (PFHB1B). Identifiers: Orphanet 871, MedGen C1970298, MONDO:0011474, OMIM 604559.

gnomAD v4.1: 2 of 1,613,960 alleles (0.00012%); highest among the groups gnomAD compares: Non-Finnish European, 0.00017%; no homozygotes.

Submission:

Labcorp Genetics (formerly Invitae), Labcorp
Classification: Uncertain significance for Progressive familial heart block type IB. Last evaluated: 2025-01-12. Review status: criteria provided, single submitter. Criteria: Invitae Variant Classification Sherloc (09022015). Collection method: clinical testing. Allele origin: germline.
Comment: This sequence change replaces methionine, which is neutral and non-polar, with threonine, which is neutral and polar, at codon 430 of the TRPM4 protein (p.Met430Thr). This variant is not present in population databases (gnomAD no frequency). This variant has not been reported in the literature in individuals affected with TRPM4-related conditions. An algorithm developed to predict the effect of missense changes on protein structure and function (PolyPhen-2) suggests that this variant is likely to be tolerated. In summary, the available evidence is currently insufficient to determine the role of this variant in disease. Therefore, it has been classified as a Variant of Uncertain Significance.

NM_017636.4(TRPM4):c.1289T>C (p.Met430Thr)

Gene: TRPM4 (transient receptor potential cation channel subfamily M member 4; plus strand). Cytogenetic location: 19q13.33.
Variant type: single nucleotide variant.
Coding change: c.1289T>C on transcript NM_017636.4 (MANE Select); coding-DNA position 1289, T replaced by C.
Protein change: p.Met430Thr; replaces methionine 430 with threonine.
Molecular consequence: missense variant. On other transcripts: 5 prime UTR variant (1).
Genome position (GRCh38, 1-based): chr19:49,182,603, T>C. VCF-style: chr19-49182603-T-C. GRCh37 (hg19) VCF-style: chr19-49685860-T-C.
Other names: c.767T>C, p.Met256Thr (NM_001321283.2); c.227T>C, p.Met76Thr (NM_001321285.2); c.1289T>C, p.Met430Thr (NM_001195227.2); c.944T>C, p.Met315Thr (NM_001321281.2); c.-265T>C (NM_001321282.2); short protein forms M256T, M315T, M430T, M76T.
Identifiers: ClinVar variation 3619311 (VCV003619311.2).
Genomic context (GRCh38, chr19:49,182,603, plus strand): 5'-GCTAATCTCTTCCCCTATTCATCCCACCCTGCCAGTCCTTCCATCTCGAAGCTTCCCTCA[T>C]GGACGCCCTGCTGAATGACCGGCCTGAGTTCGTGCGCTTGCTCATTTCCCACGGCCTCAG-3'
Protein context (NP_060106.2, residues 420-440): WRSFHLEASL[Met430Thr]DALLNDRPEF